The following is an entry in ClinVar:

NM_001363711.2(DUOX2):c.2160T>A (p.Phe720Leu)

Gene: DUOX2 (dual oxidase 2; minus strand). Cytogenetic location: 15q21.1.
Variant type: single nucleotide variant.
Coding change: c.2160T>A on transcript NM_001363711.2 (MANE Select); coding-DNA position 2160, T replaced by A.
Protein change: p.Phe720Leu; replaces phenylalanine 720 with leucine.
Molecular consequence: missense variant.
Genome position (GRCh38, 1-based): chr15:45,105,817, A>T on the plus strand (T>A on the coding strand, the complement: DUOX2 is on the minus strand). VCF-style: chr15-45105817-A-T. GRCh37 (hg19) VCF-style: chr15-45398015-A-T.
Other names: c.2160T>A, p.Phe720Leu (NM_014080.5); short protein forms F720L.
Identifiers: ClinVar variation 4737987 (VCV004737987.1).

ClinVar aggregate classification (germline): Uncertain significance (1 of 4 stars; one submission).

Submission:

Labcorp Genetics (formerly Invitae), Labcorp
Classification: Uncertain significance. Last evaluated: 2025-02-04. Review status: criteria provided, single submitter. Criteria: Invitae Variant Classification Sherloc (09022015). Collection method: clinical testing. Allele origin: germline.
Comment: This sequence change replaces phenylalanine, which is neutral and non-polar, with leucine, which is neutral and non-polar, at codon 720 of the DUOX2 protein (p.Phe720Leu). This variant is not present in population databases (gnomAD no frequency). This variant has not been reported in the literature in individuals affected with DUOX2-related conditions. Invitae Evidence Modeling of protein sequence and biophysical properties (such as structural, functional, and spatial information, amino acid conservation, physicochemical variation, residue mobility, and thermodynamic stability) indicates that this missense variant is not expected to disrupt DUOX2 protein function with a negative predictive value of 80%. In summary, the available evidence is currently insufficient to determine the role of this variant in disease. Therefore, it has been classified as a Variant of Uncertain Significance.